The following is an entry in ClinVar:

ClinVar aggregate classification (germline): Uncertain significance. Review status: criteria provided, multiple submitters, no conflicts (2 of 4 stars). 2 submissions from 2 submitters: Uncertain significance (2). Last evaluated 2024-09-23.

Allele frequency attached by ClinVar (database versions not stated): gnomAD exomes below 0.00001.
gnomAD v4.1: 3 of 1,614,018 alleles (0.00019%); highest among the groups gnomAD compares: South Asian, 0.0033%; no homozygotes.

Submissions (2):

Blueprint Genetics
Classification: Uncertain significance. Last evaluated: 2024-09-23. Review status: criteria provided, single submitter. Criteria: ACMG Guidelines, 2015. Collection method: clinical testing. Allele origin: germline.

Labcorp Genetics (formerly Invitae), Labcorp
Classification: Uncertain significance. Last evaluated: 2022-04-12. Review status: criteria provided, single submitter. Criteria: Invitae Variant Classification Sherloc (09022015). Collection method: clinical testing. Allele origin: germline.
Comment: In summary, the available evidence is currently insufficient to determine the role of this variant in disease. Therefore, it has been classified as a Variant of Uncertain Significance. Advanced modeling of protein sequence and biophysical properties (such as structural, functional, and spatial information, amino acid conservation, physicochemical variation, residue mobility, and thermodynamic stability) performed at Invitae indicates that this missense variant is expected to disrupt LRP2 protein function. This variant has not been reported in the literature in individuals affected with LRP2-related conditions. This variant is present in population databases (no rsID available, gnomAD 0.003%). This sequence change replaces glycine, which is neutral and non-polar, with alanine, which is neutral and non-polar, at codon 2107 of the LRP2 protein (p.Gly2107Ala).

NM_004525.3(LRP2):c.6320G>C (p.Gly2107Ala)

Gene: LRP2 (LDL receptor related protein 2; minus strand). Cytogenetic location: 2q31.1.
Variant type: single nucleotide variant.
Coding change: c.6320G>C on transcript NM_004525.3 (MANE Select); coding-DNA position 6320, G replaced by C.
Protein change: p.Gly2107Ala; replaces glycine 2107 with alanine.
Molecular consequence: missense variant.
Genome position (GRCh38, 1-based): chr2:169,209,602, C>G on the plus strand (G>C on the coding strand, the complement: LRP2 is on the minus strand). VCF-style: chr2-169209602-C-G. GRCh37 (hg19) VCF-style: chr2-170066112-C-G.
Other names: short protein forms G2107A.
Identifiers: ClinVar variation 2036399 (VCV002036399.5), dbSNP rs1379312126, ClinGen allele CA349129598.